The following is an entry in ClinVar:

ClinVar aggregate classification (germline): Uncertain significance (1 of 4 stars; one submission).

Allele frequency attached by ClinVar (database versions not stated): ExAC 0.00001.
gnomAD v4.1: 5 of 1,613,514 alleles (0.00031%); highest among the groups gnomAD compares: East Asian, 0.0089%; no homozygotes.

Submission:

GeneDx
Classification: Uncertain significance. Last evaluated: 2019-08-14. Review status: criteria provided, single submitter. Criteria: GeneDx Variant Classification Process June 2021. Collection method: clinical testing. Allele origin: germline. Affected: yes.
Comment: In silico analysis, which includes protein predictors and evolutionary conservation, supports that this variant does not alter protein structure/function; Has not been previously published as pathogenic or benign to our knowledge

NM_006265.3(RAD21):c.1526C>T (p.Pro509Leu)

Gene: RAD21 (RAD21 cohesin complex component; minus strand). Cytogenetic location: 8q24.11.
Variant type: single nucleotide variant.
Coding change: c.1526C>T on transcript NM_006265.3 (MANE Select); coding-DNA position 1526, C replaced by T.
Protein change: p.Pro509Leu; replaces proline 509 with leucine.
Molecular consequence: missense variant.
Genome position (GRCh38, 1-based): chr8:116,850,712, G>A on the plus strand (C>T on the coding strand, the complement: RAD21 is on the minus strand). VCF-style: chr8-116850712-G-A. GRCh37 (hg19) VCF-style: chr8-117862951-G-A.
Other names: short protein forms P509L.
Identifiers: ClinVar variation 1318784 (VCV001318784.2), dbSNP rs751467905, ClinGen allele CA4852781.